The following is an entry in ClinVar:

NM_013372.7(GREM1):c.143A>C (p.Gln48Pro)

Gene: GREM1 (gremlin 1, DAN family BMP antagonist; plus strand). Cytogenetic location: 15q13.3.
Variant type: single nucleotide variant.
Coding change: c.143A>C on transcript NM_013372.7 (MANE Select); coding-DNA position 143, A replaced by C.
Protein change: p.Gln48Pro; replaces glutamine 48 with proline.
Molecular consequence: missense variant. On other transcripts: intron variant (2).
Genome position (GRCh38, 1-based): chr15:32,730,833, A>C. VCF-style: chr15-32730833-A-C. GRCh37 (hg19) VCF-style: chr15-33023034-A-C.
Other names: c.143A>C, p.Gln48Pro (NM_001368719.1); c.114+29A>C (NM_001191323.2); c.28-95A>C (NM_001191322.2); short protein forms Q48P.
Identifiers: ClinVar variation 2561094 (VCV002561094.2), dbSNP rs770819924, ClinGen allele CA391557277.

ClinVar aggregate classification (germline): Uncertain significance (1 of 4 stars; one submission).

Conditions:
Hereditary cancer-predisposing syndrome. Also called: Neoplastic Syndromes, Hereditary; Hereditary Cancer Syndrome; Hereditary neoplastic syndrome; Tumor predisposition. Identifiers: Orphanet 140162, MedGen C0027672, MeSH D009386, MONDO:0015356.

gnomAD v4.1: 1 of 1,613,856 alleles (0.000062%); highest among the groups gnomAD compares: Non-Finnish European, 0.000085%; no homozygotes.

Submission:

Ambry Genetics
Classification: Uncertain significance for Hereditary cancer-predisposing syndrome. Last evaluated: 2023-05-18. Review status: criteria provided, single submitter. Criteria: Ambry Variant Classification Scheme 2023. Collection method: clinical testing. Allele origin: germline.
Comment: The p.Q48P variant (also known as c.143A>C), located in coding exon 1 of the GREM1 gene, results from an A to C substitution at nucleotide position 143. The glutamine at codon 48 is replaced by proline, an amino acid with similar properties. This amino acid position is conserved. In addition, this alteration is predicted to be tolerated by in silico analysis. Since supporting evidence is limited at this time, the clinical significance of this alteration remains unclear.